The following is an entry in ClinVar:

NM_004706.4(ARHGEF1):c.2384G>A (p.Arg795Gln)

Gene: ARHGEF1 (Rho guanine nucleotide exchange factor 1; plus strand). Cytogenetic location: 19q13.2.
Variant type: single nucleotide variant.
Coding change: c.2384G>A on transcript NM_004706.4 (MANE Select); coding-DNA position 2384, G replaced by A.
Protein change: p.Arg795Gln; replaces arginine 795 with glutamine.
Molecular consequence: missense variant.
Genome position (GRCh38, 1-based): chr19:41,905,807, G>A. VCF-style: chr19-41905807-G-A. GRCh37 (hg19) VCF-style: chr19-42409959-G-A.
Other names: c.2285G>A, p.Arg762Gln (NM_198977.2); c.2429G>A, p.Arg810Gln (NM_199002.2); short protein forms R810Q, R762Q, R795Q.
Identifiers: ClinVar variation 1348874 (VCV001348874.6), dbSNP rs782129033, ClinGen allele CA9466695.

ClinVar aggregate classification (germline): Uncertain significance (1 of 4 stars; one submission).

Allele frequency attached by ClinVar (database versions not stated): ExAC 0.00001; gnomAD exomes 0.00002.
gnomAD v4.1: 26 of 1,614,156 alleles (0.0016%); highest among the groups gnomAD compares: East Asian, 0.02%; no homozygotes.

Submission:

Labcorp Genetics (formerly Invitae), Labcorp
Classification: Uncertain significance. Last evaluated: 2024-08-20. Review status: criteria provided, single submitter. Criteria: Invitae Variant Classification Sherloc (09022015). Collection method: clinical testing. Allele origin: germline.
Comment: This sequence change replaces arginine, which is basic and polar, with glutamine, which is neutral and polar, at codon 810 of the ARHGEF1 protein (p.Arg810Gln). This variant is present in population databases (rs782129033, gnomAD 0.007%). This variant has not been reported in the literature in individuals affected with ARHGEF1-related conditions. ClinVar contains an entry for this variant (Variation ID: 1348874). An algorithm developed to predict the effect of missense changes on protein structure and function (PolyPhen-2) suggests that this variant is likely to be tolerated. In summary, the available evidence is currently insufficient to determine the role of this variant in disease. Therefore, it has been classified as a Variant of Uncertain Significance.